The following is an entry in ClinVar:

ClinVar aggregate classification (germline): Likely pathogenic (1 of 4 stars; one submission).

Submission:

Labcorp Genetics (formerly Invitae), Labcorp
Classification: Likely pathogenic. Last evaluated: 2023-07-17. Review status: criteria provided, single submitter. Criteria: Invitae Variant Classification Sherloc (09022015). Collection method: clinical testing. Allele origin: germline.
Comment: In summary, the currently available evidence indicates that the variant is pathogenic, but additional data are needed to prove that conclusively. Therefore, this variant has been classified as Likely Pathogenic. Algorithms developed to predict the effect of sequence changes on RNA splicing suggest that this variant may disrupt the consensus splice site. ClinVar contains an entry for this variant (Variation ID: 1998595). This variant has not been reported in the literature in individuals affected with RUSC2-related conditions. This variant is not present in population databases (gnomAD no frequency). This sequence change affects an acceptor splice site in intron 7 of the RUSC2 gene. It is expected to disrupt RNA splicing. Variants that disrupt the donor or acceptor splice site typically lead to a loss of protein function (PMID: 16199547), and loss-of-function variants in RUSC2 are known to be pathogenic (PMID: 27612186).

Literature cited by the submitters: PubMed 16199547; PubMed 27612186.

NM_014806.5(RUSC2):c.3236-2A>C

Gene: RUSC2 (RUN and SH3 domain containing 2; plus strand). Cytogenetic location: 9p13.3.
Variant type: single nucleotide variant.
Coding change: c.3236-2A>C on transcript NM_014806.5 (MANE Select); the canonical splice acceptor site of the intron before coding-DNA position 3236, A replaced by C.
Molecular consequence: splice acceptor variant.
Genome position (GRCh38, 1-based): chr9:35,558,460, A>C. VCF-style: chr9-35558460-A-C. GRCh37 (hg19) VCF-style: chr9-35558457-A-C.
Other names: c.602-2A>C (NM_001330740.2); c.3236-2A>C (NM_001135999.2).
Identifiers: ClinVar variation 1998595 (VCV001998595.4), dbSNP rs2490411094, ClinGen allele CA373349073.